The following is an entry in ClinVar:

ClinVar aggregate classification (germline): Conflicting classifications of pathogenicity. Review status: criteria provided, conflicting classifications (1 of 4 stars). 2 submissions from 2 submitters: Uncertain significance (1); Likely benign (1). Last evaluated 2025-12-26.

Conditions:
Menkes kinky-hair syndrome (MNK). Also called: Copper transport disease; Menkes Disease; Classic Menkes Disease. Identifiers: Orphanet 565, MedGen C0022716, MONDO:0010651, OMIM 309400.
Cutis laxa, X-linked (OHS). Also called: EDS IX; Occipital horn syndrome. Identifiers: Orphanet 198, MedGen C0268353, MONDO:0010572, OMIM 304150.
X-linked distal spinal muscular atrophy type 3. Also called: ATP7A-Related Distal Motor Neuropathy; SPINAL MUSCULAR ATROPHY, DISTAL, X-LINKED RECESSIVE; NEURONOPATHY, DISTAL HEREDITARY MOTOR, X-LINKED; NEUROPATHY, DISTAL HEREDITARY MOTOR, X-LINKED. Identifiers: Orphanet 139557, MedGen C1845359, MONDO:0010338, OMIM 300489.

Allele frequency attached by ClinVar (database versions not stated): gnomAD exomes below 0.00001; ExAC 0.00001; gnomAD 0.00001; TOPMed 0.00001.
gnomAD v4.1: 6 of 1,210,090 alleles (0.0005%); highest among the groups gnomAD compares: East Asian, 0.018%; no homozygotes.

Submissions (2):

Labcorp Genetics (formerly Invitae), Labcorp
Classification: Likely benign for X-linked distal spinal muscular atrophy type 3; Cutis laxa, X-linked; Menkes kinky-hair syndrome. Last evaluated: 2025-12-26. Review status: criteria provided, single submitter. Criteria: Invitae Variant Classification Sherloc (09022015). Collection method: clinical testing. Allele origin: germline.

GeneDx
Classification: Uncertain significance. Last evaluated: 2025-08-05. Review status: criteria provided, single submitter. Criteria: GeneDx Variant Classification Process June 2021. Collection method: clinical testing. Allele origin: germline. Affected: yes.
Comment: Not observed at significant frequency in large population cohorts (gnomAD); In silico analysis suggests that this missense variant does not alter protein structure/function; Has not been previously published as pathogenic or benign to our knowledge

NM_000052.7(ATP7A):c.479G>C (p.Cys160Ser)

Gene: ATP7A (ATPase copper transporting alpha; plus strand). Cytogenetic location: Xq21.1.
Variant type: single nucleotide variant.
Coding change: c.479G>C on transcript NM_000052.7 (MANE Select); coding-DNA position 479, G replaced by C.
Protein change: p.Cys160Ser; replaces cysteine 160 with serine.
Molecular consequence: missense variant.
Genome position (GRCh38, 1-based): chrX:77,988,600, G>C. VCF-style: chrX-77988600-G-C. GRCh37 (hg19) VCF-style: chrX-77244096-G-C.
Other names: c.479G>C, p.Cys160Ser (NM_001282224.2); c.479G>C (NM_000052.4); short protein forms C160S.
Identifiers: ClinVar variation 2930245 (VCV002930245.4), dbSNP rs782116062, ClinGen allele CA10458924.
Genomic context (GRCh38, chrX:77,988,600, plus strand): 5'-AAGAGCTGGTTCCAGAACTCAGTTTAGATACTGGGACACTGGAGAAAAAGTCAGGAGCTT[G>C]TGAAGATCATAGTATGGCTCAAGCTGGTGAAGTCGTGCTGAAGATGAAAGTGGAAGGGAT-3'
Protein context (NP_000043.4, residues 150-170): TGTLEKKSGA[Cys160Ser]EDHSMAQAGE